The following is an entry in ClinVar:

ClinVar aggregate classification (germline): Likely pathogenic. Review status: criteria provided, multiple submitters, no conflicts (2 of 4 stars). 2 submissions from 2 submitters: Likely pathogenic (2). Last evaluated 2024-05-08.

Conditions:
Alagille syndrome due to a NOTCH2 point mutation. Also called: Alagille syndrome 2. Identifiers: Orphanet 261629, Orphanet 52, MedGen C1857761, MONDO:0012439, OMIM 610205.
Hajdu-Cheney syndrome (HJCYS). Also called: ACROOSTEOLYSIS WITH OSTEOPOROSIS AND CHANGES IN SKULL AND MANDIBLE; SERPENTINE FIBULA-POLYCYSTIC KIDNEY SYNDROME; Acroosteolysis dominant type. Identifiers: Orphanet 955, MedGen C0917715, MONDO:0007057, OMIM 102500.

Submissions (2):

Fulgent Genetics
Classification: Likely pathogenic for Hajdu-Cheney syndrome; Alagille syndrome due to a NOTCH2 point mutation. Last evaluated: 2024-05-08. Review status: criteria provided, single submitter. Criteria: ACMG Guidelines, 2015. Collection method: clinical testing. Allele origin: germline.

Laboratorio de Genetica e Diagnostico Molecular, Hospital Israelita Albert Einstein
Classification: Likely pathogenic. Last evaluated: 2020-12-15. Review status: criteria provided, single submitter. Criteria: ACMG Guidelines, 2015. Collection method: clinical testing. Allele origin: germline. Affected: yes.
Comment: ACMG classification criteria: PVS1, PS2, PS4, PM2

NM_024408.4(NOTCH2):c.6450del (p.Val2151fs)

Gene: NOTCH2 (notch receptor 2; minus strand). Cytogenetic location: 1p12.
Variant type: Deletion.
Coding change: c.6450del on transcript NM_024408.4 (MANE Select); coding-DNA position 6450, one base deleted (T; older notation c.6450delT).
Protein change: p.Val2151fs; shifts the reading frame from valine 2151.
Molecular consequence: frameshift variant.
Genome position (GRCh38, 1-based): chr1:119,916,272, A deleted on the plus strand (T on the coding strand, the reverse complement: NOTCH2 is on the minus strand). VCF-style (leftmost placement, unchanged base first): chr1-119916271-CA-C. GRCh37 (hg19) VCF-style: chr1-120458894-CA-C.
Other names: c.6450delT (NM_024408.4); short protein forms V2151fs.
Identifiers: ClinVar variation 1690994 (VCV001690994.3), dbSNP rs2101144082, ClinGen allele CA2573130963.